The following is an entry in ClinVar:

NM_016729.3(FOLR1):c.357+6C>A

Genes: FOLR1-AS1 (FOLR1 antisense RNA 1; minus strand), FOLR1 (folate receptor alpha; plus strand). Cytogenetic location: 11q13.4.
Variant type: single nucleotide variant.
Coding change: c.357+6C>A on transcript NM_016729.3 (MANE Select); 6 bases into the intron after coding-DNA position 357, C replaced by A.
Molecular consequence: intron variant.
Genome position (GRCh38, 1-based): chr11:72,195,465, C>A. VCF-style: chr11-72195465-C-A. GRCh37 (hg19) VCF-style: chr11-71906509-C-A.
Other names: c.357+6C>A (NM_016724.3, NM_016725.3, NM_000802.3).
Identifiers: ClinVar variation 834462 (VCV000834462.10), dbSNP rs1312955398, ClinGen allele CA679973912.

ClinVar aggregate classification (germline): Uncertain significance (1 of 4 stars; one submission).

Conditions:
Cerebral folate transport deficiency. Also called: FOLR1-Related Cerebral Folate Transport Deficiency; FOLATE RECEPTOR DEFICIENCY; Neurodegenerative syndrome due to cerebral folate transport deficiency; Cerebral folate deficiency syndrome; NEURODEGENERATION DUE TO CEREBRAL FOLATE TRANSPORT DEFICIENCY. Identifiers: Orphanet 217382, MedGen C2751584, MONDO:0013110, OMIM 613068. Disease mechanism: loss of function.

Allele frequency attached by ClinVar (database versions not stated): gnomAD exomes below 0.00001; TOPMed 0.00001.

Submission:

Labcorp Genetics (formerly Invitae), Labcorp
Classification: Uncertain significance for Cerebral folate transport deficiency. Last evaluated: 2021-05-20. Review status: criteria provided, single submitter. Criteria: Invitae Variant Classification Sherloc (09022015). Collection method: clinical testing. Allele origin: germline.
Comment: Nucleotide substitutions within the consensus splice site are a relatively common cause of aberrant splicing (PMID: 17576681, 9536098). Algorithms developed to predict the effect of sequence changes on RNA splicing suggest that this variant is not likely to affect RNA splicing, but this prediction has not been confirmed by published transcriptional studies. This variant has not been reported in the literature in individuals with FOLR1-related conditions. This variant is not present in population databases (ExAC no frequency). This sequence change falls in intron 3 of the FOLR1 gene. It does not directly change the encoded amino acid sequence of the FOLR1 protein, but it affects a nucleotide within the consensus splice site of the intron. In summary, the available evidence is currently insufficient to determine the role of this variant in disease. Therefore, it has been classified as a Variant of Uncertain Significance.

Literature cited by the submitters: PubMed 17576681; PubMed 9536098.